The following is an entry in ClinVar:

NM_002336.3(LRP6):c.4364G>A (p.Ser1455Asn)

Gene: LRP6 (LDL receptor related protein 6; minus strand). Cytogenetic location: 12p13.2.
Variant type: single nucleotide variant.
Coding change: c.4364G>A on transcript NM_002336.3 (MANE Select); coding-DNA position 4364, G replaced by A.
Protein change: p.Ser1455Asn; replaces serine 1455 with asparagine.
Molecular consequence: missense variant.
Genome position (GRCh38, 1-based): chr12:12,125,381, C>T on the plus strand (G>A on the coding strand, the complement: LRP6 is on the minus strand). VCF-style: chr12-12125381-C-T. GRCh37 (hg19) VCF-style: chr12-12278315-C-T.
Other names: c.3857G>A, p.Ser1286Asn (NM_001414255.1); c.4457G>A, p.Ser1486Asn (NM_001414244.1); c.4364G>A, p.Ser1455Asn (NM_001414245.1, NM_001414248.1, NM_001414249.1 and 1 more transcripts); c.4229G>A, p.Ser1410Asn (NM_001414246.1); c.4166G>A, p.Ser1389Asn (NM_001414247.1); c.4001G>A, p.Ser1334Asn (NM_001414251.1); c.3911G>A, p.Ser1304Asn (NM_001414252.1, NM_001414253.1, NM_001414254.1); short protein forms S1286N, S1304N, S1389N, S1410N, S1334N, S1455N, S1486N.
Identifiers: ClinVar variation 2265129 (VCV002265129.3), dbSNP rs916990801, ClinGen allele CA232997154.

ClinVar aggregate classification (germline): Uncertain significance. Review status: criteria provided, multiple submitters, no conflicts (2 of 4 stars). 2 submissions from 2 submitters: Uncertain significance (2). Last evaluated 2025-09-17.

Conditions:
Inborn genetic diseases. Identifiers: MedGen C0950123, MeSH D030342.

Allele frequency attached by ClinVar (database versions not stated): gnomAD 0.00003; TOPMed 0.00004; gnomAD exomes below 0.00001.
gnomAD v4.1: 12 of 1,613,432 alleles (0.00074%); highest among the groups gnomAD compares: African/African-American, 0.013%; no homozygotes.

Submissions (2):

Labcorp Genetics (formerly Invitae), Labcorp
Classification: Uncertain significance. Last evaluated: 2025-09-17. Review status: criteria provided, single submitter. Criteria: Invitae Variant Classification Sherloc (09022015). Collection method: clinical testing. Allele origin: germline.
Comment: This sequence change replaces serine, which is neutral and polar, with asparagine, which is neutral and polar, at codon 1455 of the LRP6 protein (p.Ser1455Asn). This variant is present in population databases (no rsID available, gnomAD 0.008%). This variant has not been reported in the literature in individuals affected with LRP6-related conditions. ClinVar contains an entry for this variant (Variation ID: 2265129). Invitae Evidence Modeling of protein sequence and biophysical properties (such as structural, functional, and spatial information, amino acid conservation, physicochemical variation, residue mobility, and thermodynamic stability) indicates that this missense variant is not expected to disrupt LRP6 protein function with a negative predictive value of 80%. In summary, the available evidence is currently insufficient to determine the role of this variant in disease. Therefore, it has been classified as a Variant of Uncertain Significance.

Ambry Genetics
Classification: Uncertain significance for Inborn genetic diseases. Last evaluated: 2021-12-06. Review status: criteria provided, single submitter. Criteria: Ambry Variant Classification Scheme 2023. Collection method: clinical testing. Allele origin: germline.